The following is an entry in ClinVar:

ClinVar aggregate classification (germline): Uncertain significance (1 of 4 stars; one submission).

Conditions:
Early Myoclonic Encephalopathy. Identifiers: MedGen C0270855.

Allele frequency attached by ClinVar (database versions not stated): gnomAD exomes below 0.00001; gnomAD 0.00001.
gnomAD v4.1: 8 of 1,614,126 alleles (0.0005%); highest among the groups gnomAD compares: Admixed American, 0.0017%; no homozygotes.

Submission:

Labcorp Genetics (formerly Invitae), Labcorp
Classification: Uncertain significance for Early Myoclonic Encephalopathy. Last evaluated: 2022-11-10. Review status: criteria provided, single submitter. Criteria: Invitae Variant Classification Sherloc (09022015). Collection method: clinical testing. Allele origin: germline.
Comment: In summary, the available evidence is currently insufficient to determine the role of this variant in disease. Therefore, it has been classified as a Variant of Uncertain Significance. Advanced modeling of protein sequence and biophysical properties (such as structural, functional, and spatial information, amino acid conservation, physicochemical variation, residue mobility, and thermodynamic stability) performed at Invitae indicates that this missense variant is not expected to disrupt JMJD1C protein function. This variant has not been reported in the literature in individuals affected with JMJD1C-related conditions. This variant is present in population databases (rs751449454, gnomAD 0.007%). This sequence change replaces isoleucine, which is neutral and non-polar, with valine, which is neutral and non-polar, at codon 689 of the JMJD1C protein (p.Ile689Val).

NM_032776.3(JMJD1C):c.2065A>G (p.Ile689Val)

Gene: JMJD1C (jumonji domain containing 1C; minus strand). Cytogenetic location: 10q21.3.
Variant type: single nucleotide variant.
Coding change: c.2065A>G on transcript NM_032776.3 (MANE Select); coding-DNA position 2065, A replaced by G.
Protein change: p.Ile689Val; replaces isoleucine 689 with valine.
Molecular consequence: missense variant. On other transcripts: non-coding transcript variant (1).
Genome position (GRCh38, 1-based): chr10:63,214,102, T>C on the plus strand (A>G on the coding strand, the complement: JMJD1C is on the minus strand). VCF-style: chr10-63214102-T-C. GRCh37 (hg19) VCF-style: chr10-64973862-T-C.
Other names: c.1519A>G, p.Ile507Val (NM_001282948.2, NM_001318154.2); c.1201A>G, p.Ile401Val (NM_001318153.2); c.1951A>G, p.Ile651Val (NM_001322252.2); c.1408A>G, p.Ile470Val (NM_001322254.2, NM_001322258.2); short protein forms I470V, I651V, I401V, I507V, I689V.
Identifiers: ClinVar variation 2887984 (VCV002887984.3), dbSNP rs751449454, ClinGen allele CA5518691.